The following is an entry in ClinVar:

NM_020812.4(DOCK6):c.4457dup (p.Tyr1486Ter)

Genes: DOCK6 (dedicator of cytokinesis 6; minus strand), DOCK6-AS1 (DOCK6 antisense RNA 1; plus strand). Cytogenetic location: 19p13.2.
Variant type: Duplication.
Coding change: c.4457dup on transcript NM_020812.4 (MANE Select); coding-DNA position 4457, one base duplicated (A; older notation c.4457dupA).
Protein change: p.Tyr1486Ter; replaces tyrosine 1486 with a stop codon.
Molecular consequence: nonsense.
Genome position (GRCh38, 1-based): chr19:11,213,210, T duplicated on the plus strand (A on the coding strand, the reverse complement: DOCK6 is on the minus strand). VCF-style (leftmost placement, unchanged base first): chr19-11213209-G-GT. GRCh37 (hg19) VCF-style: chr19-11323885-G-GT.
Other names: c.4562dup, p.Tyr1521Ter (NM_001367830.1); short protein forms Y1486*, Y1521*.
Identifiers: ClinVar variation 3377288 (VCV003377288.1).
Genomic context (GRCh38, chr19:11,213,209, plus strand): 5'-GGACCATGCCTCCTAGCCCCCACTCACGTGGCCGATCTCGAAGTTCTGTCGCATGAGCAG[G>GT]TACAGCGAGGCGCTGGCGTGCGTGCGGATGGTGCTGATGCGGCTGCCACAGTGTCGTAGG-3'

ClinVar aggregate classification (germline): Pathogenic (1 of 4 stars; one submission).

Conditions:
Adams-Oliver syndrome 2 (AOS2). Identifiers: Orphanet 974, MedGen C3280182, MONDO:0013635, OMIM 614219.

Submission:

Victorian Clinical Genetics Services, Murdoch Childrens Research Institute
Classification: Pathogenic for Adams-Oliver syndrome 2. Last evaluated: 2024-10-09. Review status: criteria provided, single submitter. Criteria: ACMG Guidelines, 2015. Collection method: clinical testing. Allele origin: germline. Inheritance: Autosomal recessive inheritance. Affected: no.
Comment: Based on the classification scheme VCGS_Germline_v1.3.4, this variant is classified as Pathogenic. Following criteria are met: 0102 - Loss of function is a known mechanism of disease in this gene and is associated with Adams-Oliver syndrome 2 (MIM#614219). (I) 0106 - This gene is associated with autosomal recessive disease. (I) 0115 - Variants in this gene are known to have variable expressivity. There is a wide variability in severity of limb defects (OMIM). (I) 0201 - Variant is predicted to cause nonsense-mediated decay (NMD) and loss of protein (premature termination codon is located at least 54 nucleotides upstream of the final exon-exon junction). (SP) 0251 - This variant is heterozygous. (I) 0304 - Variant is present in gnomAD (v2) <0.01 for a recessive condition (2 heterozygotes, 0 homozygotes). (SP) 0701 - Many other NMD-predicted variants comparable to the one identified in this case have very strong previous evidence for pathogenicity (DECIPHER). (SP) 0807 - This variant has no previous evidence of pathogenicity. (I) 0905 - No published segregation evidence has been identified for this variant. (I) 1007 - No published functional evidence has been identified for this variant. (I) Legend: (SP) - Supporting pathogenic, (I) - Information, (SB) - Supporting benign